The following is an entry in ClinVar:

ClinVar aggregate classification (germline): Conflicting classifications of pathogenicity. Review status: criteria provided, conflicting classifications (1 of 4 stars). 5 submissions from 5 submitters: Likely pathogenic (1); Uncertain significance (3). 1 of the submissions does not count toward it. Last evaluated 2025-09-10.

Conditions:
Usher syndrome type 1 (USH1). Also called: RETINITIS PIGMENTOSA AND CONGENITAL DEAFNESS. Identifiers: Orphanet 231169, Orphanet 886, MedGen C1568247, MONDO:0010168, OMIM 276900.
Usher syndrome type 1D (USH1D). Also called: USHER SYNDROME, TYPE ID. Identifiers: Orphanet 231169, Orphanet 886, MedGen C1832845, MONDO:0010984, OMIM 601067.

Allele frequency attached by ClinVar (database versions not stated): gnomAD exomes 0.00001 and 0.00002; ExAC 0.00003; TOPMed 0.00006; 1000 Genomes Project 30x 0.00031.
gnomAD v4.1: 31 of 1,614,016 alleles (0.0019%); highest among the groups gnomAD compares: African/African-American, 0.019%; no homozygotes.

Submissions (5):

Genetics and Genomic Medicine Centre, NeuroGen Healthcare, NeuroGen Healthcare
Classification: Likely pathogenic for Usher syndrome type 1D. Last evaluated: 2025-09-10. Review status: criteria provided, single submitter. Criteria: ACMG Guidelines, 2015. Collection method: clinical testing. Allele origin: unknown. Affected: yes.

GeneDx
Classification: Uncertain significance. Last evaluated: 2025-06-26. Review status: criteria provided, single submitter. Criteria: GeneDx Variant Classification Process June 2021. Collection method: clinical testing. Allele origin: germline. Affected: yes.
Comment: Identified in a patient with a developmental disorder who also harbored several other de novo variants in additional genes in published literature (PMID: 33057194); In silico analysis suggests that this missense variant does not alter protein structure/function; This variant is associated with the following publications: (PMID: 35982159, 33057194)

Labcorp Genetics (formerly Invitae), Labcorp
Classification: Uncertain significance. Last evaluated: 2023-11-27. Review status: criteria provided, single submitter. Criteria: Invitae Variant Classification Sherloc (09022015). Collection method: clinical testing. Allele origin: germline.
Comment: This sequence change replaces alanine, which is neutral and non-polar, with threonine, which is neutral and polar, at codon 1871 of the CDH23 protein (p.Ala1871Thr). This variant is present in population databases (rs766404226, gnomAD 0.02%). This variant has not been reported in the literature in individuals affected with CDH23-related conditions. ClinVar contains an entry for this variant (Variation ID: 853135). Advanced modeling of protein sequence and biophysical properties (such as structural, functional, and spatial information, amino acid conservation, physicochemical variation, residue mobility, and thermodynamic stability) performed at Invitae indicates that this missense variant is not expected to disrupt CDH23 protein function with a negative predictive value of 95%. In summary, the available evidence is currently insufficient to determine the role of this variant in disease. Therefore, it has been classified as a Variant of Uncertain Significance.

Revvity Omics, Revvity
Classification: Uncertain significance. Last evaluated: 2022-02-07. Review status: criteria provided, single submitter. Criteria: ACMG Guidelines, 2015. Collection method: clinical testing. Allele origin: germline.

Natera, Inc.
Classification: Uncertain significance for Usher syndrome type 1. Last evaluated: 2020-07-02. Review status: no assertion criteria provided. Collection method: clinical testing. Allele origin: germline. Not counted in ClinVar's aggregate classification.

NM_022124.6(CDH23):c.5611G>A (p.Ala1871Thr)

Gene: CDH23 (cadherin related 23; plus strand). Cytogenetic location: 10q22.1.
Variant type: single nucleotide variant.
Coding change: c.5611G>A on transcript NM_022124.6 (MANE Select); coding-DNA position 5611, G replaced by A.
Protein change: p.Ala1871Thr; replaces alanine 1871 with threonine.
Molecular consequence: missense variant.
Genome position (GRCh38, 1-based): chr10:71,784,999, G>A. VCF-style: chr10-71784999-G-A. GRCh37 (hg19) VCF-style: chr10-73544756-G-A.
Other names: short protein forms A1871T.
Identifiers: ClinVar variation 853135 (VCV000853135.10), dbSNP rs766404226, ClinGen allele CA5545815.